The following is an entry in ClinVar:

NM_001042517.2(DIAPH3):c.2890T>C (p.Tyr964His)

Gene: DIAPH3 (diaphanous related formin 3; minus strand). Cytogenetic location: 13q21.2.
Variant type: single nucleotide variant.
Coding change: c.2890T>C on transcript NM_001042517.2 (MANE Select); coding-DNA position 2890, T replaced by C.
Protein change: p.Tyr964His; replaces tyrosine 964 with histidine.
Molecular consequence: missense variant.
Genome position (GRCh38, 1-based): chr13:59,833,244, A>G on the plus strand (T>C on the coding strand, the complement: DIAPH3 is on the minus strand). VCF-style: chr13-59833244-A-G. GRCh37 (hg19) VCF-style: chr13-60407378-A-G.
Other names: c.2857T>C, p.Tyr953His (NM_001258366.2); c.2752T>C, p.Tyr918His (NM_001258367.2); c.2680T>C, p.Tyr894His (NM_001258368.2); c.2890T>C, p.Tyr964His (NM_001258369.2); c.2101T>C, p.Tyr701His (NM_030932.4); short protein forms Y701H, Y894H, Y918H, Y953H, Y964H.
Identifiers: ClinVar variation 1306268 (VCV001306268.3), dbSNP rs368173151, ClinGen allele CA6996245.

ClinVar aggregate classification (germline): Uncertain significance. Review status: criteria provided, multiple submitters, no conflicts (2 of 4 stars). 2 submissions from 2 submitters: Uncertain significance (2). Last evaluated 2025-05-26.

Allele frequency attached by ClinVar (database versions not stated): TOPMed 0.00002; gnomAD exomes 0.00002 and 0.00003; gnomAD 0.00004 and 0.00003; ExAC 0.00004; ESP Exome Variant Server 0.00008.
gnomAD v4.1: 50 of 1,609,088 alleles (0.0031%); highest among the groups gnomAD compares: Non-Finnish European, 0.0042%; no homozygotes.

Submissions (2):

Ambry Genetics
Classification: Uncertain significance. Last evaluated: 2025-05-26. Review status: criteria provided, single submitter. Criteria: Ambry Variant Classification Scheme 2023. Collection method: clinical testing. Allele origin: germline.

GeneDx
Classification: Uncertain significance. Last evaluated: 2019-06-04. Review status: criteria provided, single submitter. Criteria: GeneDx Variant Classification Process June 2021. Collection method: clinical testing. Allele origin: germline. Affected: yes.
Comment: In silico analysis, which includes protein predictors and evolutionary conservation, supports a deleterious effect; Splice predictors are inconclusive as to whether the variant alters gene splicing. In the absence of RNA/functional studies, the actual effect of this sequence change is unknown.; Has not been previously published as pathogenic or benign to our knowledge